The following is an entry in ClinVar:

NM_014159.7(SETD2):c.2192A>G (p.Asp731Gly)

Gene: SETD2 (SET domain containing 2, histone lysine methyltransferase; minus strand). Cytogenetic location: 3p21.31.
Variant type: single nucleotide variant.
Coding change: c.2192A>G on transcript NM_014159.7 (MANE Select); coding-DNA position 2192, A replaced by G.
Protein change: p.Asp731Gly; replaces aspartic acid 731 with glycine.
Molecular consequence: missense variant. On other transcripts: non-coding transcript variant (1).
Genome position (GRCh38, 1-based): chr3:47,122,444, T>C on the plus strand (A>G on the coding strand, the complement: SETD2 is on the minus strand). VCF-style: chr3-47122444-T-C. GRCh37 (hg19) VCF-style: chr3-47163934-T-C.
Other names: c.2060A>G, p.Asp687Gly (NM_001349370.3); short protein forms D731G, D687G.
Identifiers: ClinVar variation 933461 (VCV000933461.2), dbSNP rs2043137258, ClinGen allele CA352527531.

ClinVar aggregate classification (germline): Uncertain significance (1 of 4 stars; one submission).

Conditions:
Luscan-Lumish syndrome. Identifiers: Orphanet 597738, MedGen C4085873, MONDO:0014791, OMIM 616831.

Allele frequency attached by ClinVar (database versions not stated): gnomAD exomes 0.00002.

Submission:

Labcorp Genetics (formerly Invitae), Labcorp
Classification: Uncertain significance for Luscan-Lumish syndrome. Last evaluated: 2019-08-25. Review status: criteria provided, single submitter. Criteria: Invitae Variant Classification Sherloc (09022015). Collection method: clinical testing. Allele origin: germline.
Comment: This sequence change replaces aspartic acid with glycine at codon 731 of the SETD2 protein (p.Asp731Gly). The aspartic acid residue is moderately conserved and there is a moderate physicochemical difference between aspartic acid and glycine. This variant is not present in population databases (ExAC no frequency). This variant has not been reported in the literature in individuals with SETD2-related conditions. Algorithms developed to predict the effect of missense changes on protein structure and function (SIFT, PolyPhen-2, Align-GVGD) all suggest that this variant is likely to be tolerated, but these predictions have not been confirmed by published functional studies and their clinical significance is uncertain. In summary, the available evidence is currently insufficient to determine the role of this variant in disease. Therefore, it has been classified as a Variant of Uncertain Significance.